The following is an entry in ClinVar:

ClinVar aggregate classification (germline): Likely pathogenic (1 of 4 stars; one submission).

Submission:

GeneDx
Classification: Likely pathogenic. Last evaluated: 2016-10-19. Review status: criteria provided, single submitter. Criteria: GeneDx Variant Classification (06012015). Collection method: clinical testing. Allele origin: germline. Affected: yes.
Comment: The F135S variant in the PLA2G6 gene has been reported previously in infantile neuroaxonal dystrophy in an affected individual who was heterozygous for the F135S variant and a second PLA2G6 variant (Morgan et al., 2006; Gregory et al., 2008). The F135S variant was not observed in approximately 6500 individuals of European and African American ancestry in the NHLBI Exome Sequencing Project, indicating it is not a common benign variant in these populations. The F135S variant is a non-conservative amino acid substitution, which is likely to impact secondary protein structure as these residues differ in polarity, charge, size and/or other properties. This substitution occurs at a position where amino acids with similar properties to Phenylalanine are tolerated across species. In silico analysis predicts this variant is probably damaging to the protein structure/function. The F135S variant is a strong candidate for a pathogenic variant, however the possibility it may be a rare benign variant cannot be excluded.

NM_003560.4(PLA2G6):c.404T>C (p.Phe135Ser)

Gene: PLA2G6 (phospholipase A2 group VI; minus strand). Cytogenetic location: 22q13.1.
Variant type: single nucleotide variant.
Coding change: c.404T>C on transcript NM_003560.4 (MANE Select); coding-DNA position 404, T replaced by C.
Protein change: p.Phe135Ser; replaces phenylalanine 135 with serine.
Molecular consequence: missense variant. On other transcripts: 5 prime UTR variant (3).
Genome position (GRCh38, 1-based): chr22:38,145,459, A>G on the plus strand (T>C on the coding strand, the complement: PLA2G6 is on the minus strand). VCF-style: chr22-38145459-A-G. GRCh37 (hg19) VCF-style: chr22-38541466-A-G.
Other names: c.404T>C, p.Phe135Ser (NM_001004426.3, NM_001199562.3, NM_001349864.2 and 2 more transcripts); c.-131T>C (NM_001349867.2, NM_001349869.2); c.-87T>C (NM_001349868.2); short protein forms F135S.
Identifiers: ClinVar variation 381614 (VCV000381614.2), dbSNP rs1057521104, ClinGen allele CA16608660.